The following is an entry in ClinVar:

NM_006279.5(ST3GAL3):c.367T>G (p.Phe123Val)

Gene: ST3GAL3 (ST3 beta-galactoside alpha-2,3-sialyltransferase 3; plus strand). Cytogenetic location: 1p34.1.
Variant type: single nucleotide variant.
Coding change: c.367T>G on transcript NM_006279.5 (MANE Select); coding-DNA position 367, T replaced by G.
Protein change: p.Phe123Val; replaces phenylalanine 123 with valine.
Molecular consequence: missense variant. On other transcripts: non-coding transcript variant (8), intron variant (1).
Genome position (GRCh38, 1-based): chr1:43,894,447, T>G. VCF-style: chr1-43894447-T-G. GRCh37 (hg19) VCF-style: chr1-44360119-T-G.
Other names: c.255-35685T>G (NM_001270466.3); c.367T>G, p.Phe123Val (NM_001270459.2, NM_001350620.2, NM_174966.4 and 1 more transcripts); c.274T>G, p.Phe92Val (NM_001270460.2); c.319T>G, p.Phe107Val (NM_001270461.3, NM_001270464.3, NM_174969.4 and 1 more transcripts); c.226T>G, p.Phe76Val (NM_001270462.3); c.364T>G, p.Phe122Val (NM_001270463.3, NM_001270465.3); c.412T>G, p.Phe138Val (NM_001350619.2, NM_174964.4, NM_174965.4); c.88T>G, p.Phe30Val (NM_001350621.2); and 3 more; short protein forms F92V, F122V, F161V, F192V, F76V, F138V, F177V, F30V.
Identifiers: ClinVar variation 949156 (VCV000949156.10), dbSNP rs2077083981, ClinGen allele CA340269685.

ClinVar aggregate classification (germline): Uncertain significance (1 of 4 stars; one submission).

Conditions:
Early-infantile DEE. Also called: Early infantile epileptic encephalopathy; Ohtahara syndrome; Early infantile epileptic encephalopathy with suppression bursts. Identifiers: Orphanet 1934, MedGen C0393706, MONDO:0800491.

Submission:

Labcorp Genetics (formerly Invitae), Labcorp
Classification: Uncertain significance for Early-infantile DEE. Last evaluated: 2019-05-15. Review status: criteria provided, single submitter. Criteria: Invitae Variant Classification Sherloc (09022015). Collection method: clinical testing. Allele origin: germline.
Comment: In summary, the available evidence is currently insufficient to determine the role of this variant in disease. Therefore, it has been classified as a Variant of Uncertain Significance. Algorithms developed to predict the effect of missense changes on protein structure and function are either unavailable or do not agree on the potential impact of this missense change (SIFT: "Deleterious"; PolyPhen-2: "Benign"; Align-GVGD: "Class C0"). This variant has not been reported in the literature in individuals with ST3GAL3-related conditions. This variant is not present in population databases (ExAC no frequency). This sequence change replaces phenylalanine with valine at codon 123 of the ST3GAL3 protein (p.Phe123Val). The phenylalanine residue is moderately conserved and there is a small physicochemical difference between phenylalanine and valine.